The following is an entry in ClinVar:

ClinVar aggregate classification (germline): Conflicting classifications of pathogenicity. Review status: criteria provided, conflicting classifications (1 of 4 stars). 4 submissions from 4 submitters: Uncertain significance (3); Likely benign (1). Last evaluated 2025-12-18.

Conditions:
Hereditary cancer-predisposing syndrome. Also called: Hereditary Cancer Syndrome; Tumor predisposition; Neoplastic Syndromes, Hereditary; Hereditary neoplastic syndrome. Identifiers: Orphanet 140162, MedGen C0027672, MeSH D009386, MONDO:0015356.
Gastrointestinal stromal tumor. Also called: Gastrointestinal stromal tumor, somatic; Gastrointestinal stroma tumor. Identifiers: Orphanet 44890, MedGen C0238198, MeSH D046152, MONDO:0011719, OMIM 606764, HP:0100723.

Allele frequency attached by ClinVar (database versions not stated): TOPMed 0.00002.
gnomAD v4.1: 2 of 1,613,854 alleles (0.00012%); no homozygotes.

Submissions (4):

Labcorp Genetics (formerly Invitae), Labcorp
Classification: Uncertain significance for Gastrointestinal stromal tumor. Last evaluated: 2025-12-18. Review status: criteria provided, single submitter. Criteria: Invitae Variant Classification Sherloc (09022015). Collection method: clinical testing. Allele origin: germline.
Comment: This sequence change replaces histidine, which is basic and polar, with tyrosine, which is neutral and polar, at codon 517 of the KIT protein (p.His517Tyr). This variant is not present in population databases (gnomAD no frequency). This variant has not been reported in the literature in individuals affected with KIT-related conditions. ClinVar contains an entry for this variant (Variation ID: 644074). An algorithm developed to predict the effect of missense changes on protein structure and function (PolyPhen-2) suggests that this variant is likely to be tolerated. In summary, the available evidence is currently insufficient to determine the role of this variant in disease. Therefore, it has been classified as a Variant of Uncertain Significance.

Ambry Genetics
Classification: Likely benign for Hereditary cancer-predisposing syndrome. Last evaluated: 2025-01-23. Review status: criteria provided, single submitter. Criteria: Ambry Variant Classification Scheme 2023. Collection method: clinical testing. Allele origin: germline.

St. Jude Molecular Pathology, St. Jude Children's Research Hospital
Classification: Uncertain significance for Gastrointestinal stromal tumor. Last evaluated: 2024-11-12. Review status: criteria provided, single submitter. Criteria: St. Jude Assertion Criteria 2020. Collection method: clinical testing. Allele origin: germline.
Comment: The KIT c.1549C>T (p.His517Tyr) missense change is absent in gnomAD v2.1.1. The in silico tool REVEL predicts a benign effect on protein function, but to our knowledge this prediction has not been confirmed by functional studies. To our knowledge, this variant has not been reported in individuals with KIT-related gastrointestinal stromal tumor. In summary, the evidence currently available is insufficient to determine the clinical significance of this variant. It has therefore been classified as of uncertain significance.

Baylor Genetics
Classification: Uncertain significance for Gastrointestinal stromal tumor. Last evaluated: 2023-07-03. Review status: criteria provided, single submitter. Criteria: ACMG Guidelines, 2015. Collection method: clinical testing. Allele origin: unknown.

NM_000222.3(KIT):c.1549C>T (p.His517Tyr)

Gene: KIT (KIT proto-oncogene, receptor tyrosine kinase; plus strand). Cytogenetic location: 4q12.
Variant type: single nucleotide variant.
Coding change: c.1549C>T on transcript NM_000222.3 (MANE Select); coding-DNA position 1549, C replaced by T.
Protein change: p.His517Tyr; replaces histidine 517 with tyrosine.
Molecular consequence: missense variant.
Genome position (GRCh38, 1-based): chr4:54,727,226, C>T. VCF-style: chr4-54727226-C-T. GRCh37 (hg19) VCF-style: chr4-55593392-C-T.
Other names: c.1537C>T, p.His513Tyr (NM_001093772.2, NM_001385286.1); c.1552C>T, p.His518Tyr (NM_001385284.1, NM_001385290.1); c.1549C>T, p.His517Tyr (NM_001385285.1); c.1540C>T, p.His514Tyr (NM_001385288.1, NM_001385292.1); short protein forms H513Y, H517Y, H514Y, H518Y.
Identifiers: ClinVar variation 644074 (VCV000644074.12), dbSNP rs1577994279, ClinGen allele CA356906877.